The following is an entry in ClinVar:

ClinVar aggregate classification (germline): Uncertain significance (1 of 4 stars; one submission).

Conditions:
Severe combined immunodeficiency due to IKK2 deficiency. Also called: Immunodeficiency 15; IMMUNODEFICIENCY 15B. Identifiers: Orphanet 397787, MedGen C4747743, MONDO:0014267, OMIM 615592.

Submission:

Labcorp Genetics (formerly Invitae), Labcorp
Classification: Uncertain significance for Immunodeficiency 15. Last evaluated: 2018-08-06. Review status: criteria provided, single submitter. Criteria: Invitae Variant Classification Sherloc (09022015). Collection method: clinical testing. Allele origin: germline.
Comment: This sequence change replaces serine with proline at codon 507 of the IKBKB protein (p.Ser507Pro). The serine residue is highly conserved and there is a moderate physicochemical difference between serine and proline. This variant is not present in population databases (ExAC no frequency). This variant has not been reported in the literature in individuals with IKBKB-related disease. Algorithms developed to predict the effect of missense changes on protein structure and function are either unavailable or do not agree on the potential impact of this missense change (SIFT: "Deleterious"; PolyPhen-2: "Possibly Damaging"; Align-GVGD: "Class C0"). In summary, the available evidence is currently insufficient to determine the role of this variant in disease. Therefore, it has been classified as a Variant of Uncertain Significance.

NM_001556.3(IKBKB):c.1519T>C (p.Ser507Pro)

Gene: IKBKB (inhibitor of nuclear factor kappa B kinase subunit beta; plus strand). Cytogenetic location: 8p11.21.
Variant type: single nucleotide variant.
Coding change: c.1519T>C on transcript NM_001556.3 (MANE Select); coding-DNA position 1519, T replaced by C.
Protein change: p.Ser507Pro; replaces serine 507 with proline.
Molecular consequence: missense variant. On other transcripts: non-coding transcript variant (2).
Genome position (GRCh38, 1-based): chr8:42,319,587, T>C. VCF-style: chr8-42319587-T-C. GRCh37 (hg19) VCF-style: chr8-42177105-T-C.
Other names: c.1327T>C, p.Ser443Pro (NM_001190720.3); c.1342T>C, p.Ser448Pro (NM_001242778.2); short protein forms S448P, S507P, S443P.
Identifiers: ClinVar variation 654418 (VCV000654418.1), dbSNP rs1585781141, ClinGen allele CA371090625.